The following is an entry in ClinVar:

ClinVar aggregate classification (germline): Benign (0 of 4 stars; one submission).

Conditions:
THADA-related disorder. Also called: THADA-related condition.

Allele frequency attached by ClinVar (database versions not stated): TOPMed 0.00859; 1000 Genomes Project 0.00958; gnomAD 0.00971; 1000 Genomes Project 30x 0.00984; ESP Exome Variant Server 0.01018; gnomAD exomes 0.01322; ExAC 0.01943.
gnomAD v4.1: 20,761 of 1,603,372 alleles (1.3%); highest among the groups gnomAD compares: Middle Eastern, 3.8%; 263 homozygotes.

Submission:

PreventionGenetics, part of Exact Sciences
Classification: Benign for THADA-related condition. Last evaluated: 2019-02-22. Review status: no assertion criteria provided. Collection method: clinical testing. Allele origin: germline.
Comment: This variant is classified as benign based on ACMG/AMP sequence variant interpretation guidelines (Richards et al. 2015 PMID: 25741868, with internal and published modifications).

NM_022065.5(THADA):c.864G>A (p.Glu288=)

Gene: THADA (THADA armadillo repeat containing; minus strand). Cytogenetic location: 2p21.
Variant type: single nucleotide variant.
Coding change: c.864G>A on transcript NM_022065.5 (MANE Select); coding-DNA position 864, G replaced by A.
Protein change: p.Glu288=; no amino-acid change (glutamic acid 288 retained).
Molecular consequence: synonymous variant. On other transcripts: non-coding transcript variant (2), intron variant (1).
Genome position (GRCh38, 1-based): chr2:43,577,195, C>T on the plus strand (G>A on the coding strand, the complement: THADA is on the minus strand). VCF-style: chr2-43577195-C-T. GRCh37 (hg19) VCF-style: chr2-43804334-C-T.
Other names: c.864G>A, p.Glu288= (NM_001083953.2, NM_001271643.2, NM_001271644.2 and 2 more transcripts); c.-7G>A (NM_198554.1); c.817-73G>A (NM_001345924.2).
Identifiers: ClinVar variation 3041323 (VCV003041323.2), dbSNP rs149038509, ClinGen allele CA1633460.